The following is an entry in ClinVar:

ClinVar aggregate classification (germline): Conflicting classifications of pathogenicity. Review status: criteria provided, conflicting classifications (1 of 4 stars). 3 submissions from 3 submitters: Uncertain significance (1); Likely benign (2). Last evaluated 2024-02-22.

Conditions:
Early-infantile DEE. Also called: Early infantile epileptic encephalopathy; Early infantile epileptic encephalopathy with suppression bursts; Ohtahara syndrome. Identifiers: Orphanet 1934, MedGen C0393706, MONDO:0800491.

Allele frequency attached by ClinVar (database versions not stated): ExAC 0.00009; gnomAD 0.00001.
gnomAD v4.1: 17 of 1,605,296 alleles (0.0011%); highest among the groups gnomAD compares: Admixed American, 0.0017%; no homozygotes.

Submissions (3):

Labcorp Genetics (formerly Invitae), Labcorp
Classification: Likely benign for Early-infantile DEE. Last evaluated: 2024-02-22. Review status: criteria provided, single submitter. Criteria: Invitae Variant Classification Sherloc (09022015). Collection method: clinical testing. Allele origin: germline.

GeneDx
Classification: Likely benign. Last evaluated: 2017-09-15. Review status: criteria provided, single submitter. Criteria: GeneDx Variant Classification (06012015). Collection method: clinical testing. Allele origin: germline. Affected: yes.
Comment: This variant is considered likely benign or benign based on one or more of the following criteria: it is a conservative change, it occurs at a poorly conserved position in the protein, it is predicted to be benign by multiple in silico algorithms, and/or has population frequency not consistent with disease.

Eurofins Ntd Llc (ga)
Classification: Uncertain significance. Last evaluated: 2016-06-30. Review status: criteria provided, single submitter. Criteria: EGL Classification Definitions 2015. Collection method: clinical testing. Allele origin: germline. Observed: 1 variant allele, 1 heterozygote.

NM_172107.4(KCNQ2):c.2052C>T (p.Gly684=)

Gene: KCNQ2 (potassium voltage-gated channel subfamily Q member 2; minus strand). Cytogenetic location: 20q13.33.
Variant type: single nucleotide variant.
Coding change: c.2052C>T on transcript NM_172107.4 (MANE Select); coding-DNA position 2052, C replaced by T.
Protein change: p.Gly684=; no amino-acid change (glycine 684 retained).
Molecular consequence: synonymous variant.
Genome position (GRCh38, 1-based): chr20:63,407,211, G>A on the plus strand (C>T on the coding strand, the complement: KCNQ2 is on the minus strand). VCF-style: chr20-63407211-G-A. GRCh37 (hg19) VCF-style: chr20-62038564-G-A.
Other names: c.1968C>T, p.Gly656= (NM_004518.6); c.1998C>T, p.Gly666= (NM_172106.3); c.1959C>T, p.Gly653= (NM_172108.5).
Identifiers: ClinVar variation 288380 (VCV000288380.13), dbSNP rs764444302, ClinGen allele CA9958161.